The following is an entry in ClinVar:

NM_199420.4(POLQ):c.2605G>A (p.Gly869Ser)

Gene: POLQ (DNA polymerase theta; minus strand). Cytogenetic location: 3q13.33.
Variant type: single nucleotide variant.
Coding change: c.2605G>A on transcript NM_199420.4 (MANE Select); coding-DNA position 2605, G replaced by A.
Protein change: p.Gly869Ser; replaces glycine 869 with serine.
Molecular consequence: missense variant.
Genome position (GRCh38, 1-based): chr3:121,490,326, C>T on the plus strand (G>A on the coding strand, the complement: POLQ is on the minus strand). VCF-style: chr3-121490326-C-T. GRCh37 (hg19) VCF-style: chr3-121209173-C-T.
Other names: short protein forms G869S.
Identifiers: ClinVar variation 2448887 (VCV002448887.2), dbSNP rs745662643, ClinGen allele CA2563208.

ClinVar aggregate classification (germline): Uncertain significance (1 of 4 stars; one submission).

Allele frequency attached by ClinVar (database versions not stated): gnomAD exomes below 0.00001; TOPMed below 0.00001; ExAC 0.00001; gnomAD 0.00001.
gnomAD v4.1: 5 of 1,614,104 alleles (0.00031%); highest among the groups gnomAD compares: Non-Finnish European, 0.00042%; no homozygotes.

Submission:

Ambry Genetics
Classification: Uncertain significance. Last evaluated: 2022-12-12. Review status: criteria provided, single submitter. Criteria: Ambry Variant Classification Scheme 2023. Collection method: clinical testing. Allele origin: germline.
Comment: The p.G869S variant (also known as c.2605G>A), located in coding exon 16 of the POLQ gene, results from a G to A substitution at nucleotide position 2605. The glycine at codon 869 is replaced by serine, an amino acid with similar properties. This amino acid position is conserved. In addition, this alteration is predicted to be tolerated by in silico analysis. Since supporting evidence is limited at this time, the clinical significance of this alteration remains unclear.